The following is an entry in ClinVar:

NM_006949.4(STXBP2):c.194G>A (p.Arg65Gln)

Gene: STXBP2 (syntaxin binding protein 2; plus strand). Cytogenetic location: 19p13.2.
Variant type: single nucleotide variant.
Coding change: c.194G>A on transcript NM_006949.4 (MANE Select); coding-DNA position 194, G replaced by A.
Protein change: p.Arg65Gln; replaces arginine 65 with glutamine.
Molecular consequence: missense variant. On other transcripts: non-coding transcript variant (1).
Genome position (GRCh38, 1-based): chr19:7,639,755, G>A. VCF-style: chr19-7639755-G-A. GRCh37 (hg19) VCF-style: chr19-7704641-G-A.
Other names: c.194G>A, p.Arg65Gln (NM_001127396.3, NM_001272034.2); short protein forms R65Q.
Identifiers: ClinVar variation 640802 (VCV000640802.18), dbSNP rs141717050, ClinGen allele CA9143167.

ClinVar aggregate classification (germline): Pathogenic/Likely pathogenic. Review status: criteria provided, multiple submitters, no conflicts (2 of 4 stars). 5 submissions from 5 submitters: Pathogenic (2); Likely pathogenic (2). 1 of the submissions does not count toward it. Last evaluated 2024-08-07.

Conditions:
STXBP2-related disorder. Also called: STXBP2-related condition.
Familial hemophagocytic lymphohistiocytosis 5. Also called: STXBP2-Related Familial Hemophagocytic Lymphohistiocytosis (STXBP2-fHLH). Identifiers: Orphanet 540, MedGen C2751293, MONDO:0013135, OMIM 613101.
Familial hemophagocytic lymphohistiocytosis (FHL). Also called: Hereditary hemophagocytic lymphohistiocytosis; Familial erythrophagocytic lymphohistiocytosis; Familial histiocytic reticulosis. Identifiers: Orphanet 158038, Orphanet 540, MedGen C0272199, MONDO:0015541.

Allele frequency attached by ClinVar (database versions not stated): gnomAD exomes 0.00002 and 0.00004; ExAC 0.00003; gnomAD 0.00004; TOPMed 0.00004; ESP Exome Variant Server 0.00008; 1000 Genomes Project 30x 0.00016; 1000 Genomes Project 0.00020.
gnomAD v4.1: 59 of 1,613,590 alleles (0.0037%); highest among the groups gnomAD compares: Non-Finnish European, 0.0045%; no homozygotes.

Submissions (5):

Labcorp Genetics (formerly Invitae), Labcorp
Classification: Pathogenic for Familial hemophagocytic lymphohistiocytosis 5. Last evaluated: 2024-08-07. Review status: criteria provided, single submitter. Criteria: Invitae Variant Classification Sherloc (09022015). Collection method: clinical testing. Allele origin: germline.
Comment: This sequence change replaces arginine, which is basic and polar, with glutamine, which is neutral and polar, at codon 65 of the STXBP2 protein (p.Arg65Gln). This variant is present in population databases (rs141717050, gnomAD 0.01%). This missense change has been observed in individuals with hemophagocytic lymphohistiocytosis (PMID: 25564401, 32542393, 33746956; Invitae). ClinVar contains an entry for this variant (Variation ID: 640802). Advanced modeling of protein sequence and biophysical properties (such as structural, functional, and spatial information, amino acid conservation, physicochemical variation, residue mobility, and thermodynamic stability) performed at Invitae indicates that this missense variant is expected to disrupt STXBP2 protein function with a positive predictive value of 80%. Experimental studies have shown that this missense change affects STXBP2 function (PMID: 25564401). For these reasons, this variant has been classified as Pathogenic.

GeneDx
Classification: Likely pathogenic. Last evaluated: 2024-03-11. Review status: criteria provided, single submitter. Criteria: GeneDx Variant Classification Process June 2021. Collection method: clinical testing. Allele origin: germline. Affected: yes.
Comment: Published functional studies demonstrate a damaging effect in that the R65Q variant operates in a novel dominant-negative fashion to impair lytic granule fusion and contribute to hemophagocytic lymphohistiocytosis (PMID: 25564401); In silico analysis supports that this missense variant has a deleterious effect on protein structure/function; This variant is associated with the following publications: (PMID: 24194549, 33162974, 25564401, 35207437, 33746956, 32542393, 26451869)

Blueprint Genetics
Classification: Pathogenic for STXBP2-related disorders. Last evaluated: 2023-02-01. Review status: criteria provided, single submitter. Criteria: ACMG Guidelines, 2015. Collection method: clinical testing. Allele origin: germline. Affected: yes. Observed: 1 variant allele.

Women's Health and Genetics/Laboratory Corporation of America, LabCorp
Classification: Likely pathogenic for Familial hemophagocytic lymphohistiocytosis. Last evaluated: 2022-12-22. Review status: criteria provided, single submitter. Criteria: LabCorp Variant Classification Summary - May 2015. Collection method: clinical testing. Allele origin: germline.
Comment: Variant summary: STXBP2 c.194G>A (p.Arg65Gln) results in a conservative amino acid change in the encoded protein sequence. Four of five in-silico tools predict a damaging effect of the variant on protein function. The variant allele was found at a frequency of 1.6e-05 in 251130 control chromosomes (gnomAD). c.194G>A has been reported in the literature in individuals affected with Familial Hemophagocytic Lymphohistiocytosis (examples: Spessott_2015 and Shabrish_2021). These data indicate that the variant is likely to be associated with disease. At least one publication reports experimental evidence evaluating an impact on protein function. Spessott-2015 demonstrated patients harboring the heterozygous R65Q/W mutations exhibited reduced degranulation and cytotoxicity and forced expression of R65Q in control cytotoxic T lymphocyte cells significantly reduced degranulation and killing activity. Authors suggested R65 mutations inhibit SNARE-mediated membrane fusion and confer a dominant-negative function to the encoded protein. One clinical diagnostic laboratory has submitted clinical-significance assessments for this variant to ClinVar after 2014 and classified the variant as uncertain significance. Based on the evidence outlined above, the variant was classified as likely pathogenic.

GeneReviews
No classification provided. Condition: Familial hemophagocytic lymphohistiocytosis 5. Review status: no classification provided. Collection method: literature only. Allele origin: germline. Not counted in ClinVar's aggregate classification.
Comment: Putative dominant-negative variant assoc w/late-onset fHLH [Spessott et al 2015]

Literature cited by the submitters: PubMed 25564401 (cited by 3 submitters); PubMed 32542393 (cited by Labcorp Genetics (formerly Invitae), Labcorp and Women's Health and Genetics/Laboratory Corporation of America, LabCorp); PubMed 33746956 (cited by Labcorp Genetics (formerly Invitae), Labcorp and Women's Health and Genetics/Laboratory Corporation of America, LabCorp).